The following is an entry in ClinVar:

ClinVar aggregate classification (germline): Likely benign. Review status: criteria provided, multiple submitters, no conflicts (2 of 4 stars). 5 submissions from 5 submitters: Likely benign (5). Last evaluated 2026-01-21.

Conditions:
RYR1-related disorder. Also called: RYR1-related condition; RYR1-related disorders. Identifiers: MedGen CN239331.
Malignant hyperthermia, susceptibility to, 1 (MHS1). Also called: RYR1-Related Malignant Hyperthermia Susceptibility; Anesthesia related hyperthermia; Malignant hyperpyrexia; Fulminating hyperpyrexia; Pharmacogenic myopathy; Malignant hyperthermia suceptibility 1. Identifiers: Orphanet 423, MedGen C2930980, MONDO:0007783, OMIM 145600.

Allele frequency attached by ClinVar (database versions not stated): gnomAD 0.00001; ExAC 0.00002; TOPMed 0.00002; gnomAD exomes 0.00003.
gnomAD v4.1: 46 of 1,613,676 alleles (0.0029%); highest among the groups gnomAD compares: Non-Finnish European, 0.0038%; no homozygotes.

Submissions (5):

Labcorp Genetics (formerly Invitae), Labcorp
Classification: Likely benign for RYR1-related disorder. Last evaluated: 2026-01-21. Review status: criteria provided, single submitter. Criteria: Invitae Variant Classification Sherloc (09022015). Collection method: clinical testing. Allele origin: germline.

Blueprint Genetics
Classification: Likely benign. Last evaluated: 2024-04-17. Review status: criteria provided, single submitter. Criteria: ACMG Guidelines, 2015. Collection method: clinical testing. Allele origin: germline.

All of Us Research Program, National Institutes of Health
Classification: Likely benign for Malignant hyperthermia, susceptibility to, 1. Last evaluated: 2023-12-13. Review status: criteria provided, single submitter. Criteria: ACMG Guidelines, 2015. Collection method: clinical testing. Allele origin: germline. Inheritance: Autosomal dominant inheritance. Observed: 6 variant alleles, 6 heterozygotes.
Comment: This study involves interpretation of variants in research participants for the purpose of population health screening. Participant phenotype was not available at the time of variant classification. Additional details can be found in publication PMID: 35346344, PMCID: PMC8962531

Color Diagnostics, LLC DBA Color Health
Classification: Likely benign for Malignant hyperthermia, susceptibility to, 1. Last evaluated: 2022-05-04. Review status: criteria provided, single submitter. Criteria: ACMG Guidelines, 2015. Collection method: clinical testing. Allele origin: germline.

PreventionGenetics, part of Exact Sciences
Classification: Likely benign. Review status: criteria provided, single submitter. Criteria: ACMG Guidelines, 2015. Collection method: clinical testing. Allele origin: germline.

NM_000540.3(RYR1):c.3873C>T (p.Ser1291=)

Gene: RYR1 (ryanodine receptor 1; plus strand). Cytogenetic location: 19q13.2.
Variant type: single nucleotide variant.
Coding change: c.3873C>T on transcript NM_000540.3 (MANE Select); coding-DNA position 3873, C replaced by T.
Protein change: p.Ser1291=; no amino-acid change (serine 1291 retained).
Molecular consequence: synonymous variant.
Genome position (GRCh38, 1-based): chr19:38,473,484, C>T. VCF-style: chr19-38473484-C-T. GRCh37 (hg19) VCF-style: chr19-38964124-C-T.
Other names: c.3873C>T, p.Ser1291= (NM_001042723.2).
Identifiers: ClinVar variation 256498 (VCV000256498.14), dbSNP rs769127451, ClinGen allele CA065290.